The following is an entry in ClinVar:

ClinVar aggregate classification (germline): Pathogenic (1 of 4 stars; one submission).

Submission:

Labcorp Genetics (formerly Invitae), Labcorp
Classification: Pathogenic. Last evaluated: 2024-10-31. Review status: criteria provided, single submitter. Criteria: Invitae Variant Classification Sherloc (09022015). Collection method: clinical testing. Allele origin: germline.
Comment: This sequence change affects a donor splice site in intron 48 of the COL4A5 gene. It is expected to disrupt RNA splicing. Variants that disrupt the donor or acceptor splice site typically lead to a loss of protein function (PMID: 16199547), and loss-of-function variants in COL4A5 are known to be pathogenic (PMID: 9195222, 10752524, 14514738, 24854265, 26809805). This variant is not present in population databases (gnomAD no frequency). Disruption of this splice site has been observed in individuals with Alport syndrome (PMID: 26809805, 29854973). Algorithms developed to predict the effect of sequence changes on RNA splicing suggest that this variant may disrupt the consensus splice site. For these reasons, this variant has been classified as Pathogenic.

Literature cited by the submitters: PubMed 16199547; PubMed 9195222; PubMed 10752524; PubMed 14514738; PubMed 24854265; PubMed 26809805; PubMed 29854973.

NM_033380.3(COL4A5):c.4706+1G>A

Gene: COL4A5 (collagen type IV alpha 5 chain; plus strand). Cytogenetic location: Xq22.3.
Variant type: single nucleotide variant.
Coding change: c.4706+1G>A on transcript NM_033380.3 (MANE Select); the canonical splice donor site of the intron after coding-DNA position 4706, G replaced by A.
Molecular consequence: splice donor variant.
Genome position (GRCh38, 1-based): chrX:108,692,926, G>A. VCF-style: chrX-108692926-G-A. GRCh37 (hg19) VCF-style: chrX-107936156-G-A.
Other names: c.4688+1G>A (NM_000495.5).
Identifiers: ClinVar variation 3724409 (VCV003724409.2), dbSNP rs1569508998.